The following is an entry in ClinVar:

ClinVar aggregate classification (germline): Likely benign (1 of 4 stars; one submission).

gnomAD v4.1: 4 of 1,611,136 alleles (0.00025%); highest among the groups gnomAD compares: African/African-American, 0.0013%; no homozygotes.

Submission:

CeGaT Center for Human Genetics Tuebingen
Classification: Likely benign. Last evaluated: 2026-03-01. Review status: criteria provided, single submitter. Criteria: CeGaT Center For Human Genetics Tuebingen Variant Classification Criteria Version 2. Collection method: clinical testing. Allele origin: germline. Affected: yes. Observed: 1 variant allele.
Comment: SNRPN: BP4

NM_003097.6(SNRPN):c.155+7C>T

Genes: SNHG14 (small nucleolar RNA host gene 14; plus strand), SNRPN (small nuclear ribonucleoprotein polypeptide N; plus strand), SNURF (SNRPN upstream open reading frame; plus strand). Cytogenetic location: 15q11.2.
Variant type: single nucleotide variant.
Coding change: c.155+7C>T on transcript NM_003097.6 (MANE Select); 7 bases into the intron after coding-DNA position 155, C replaced by T.
Molecular consequence: intron variant.
Genome position (GRCh38, 1-based): chr15:24,975,516, C>T. VCF-style: chr15-24975516-C-T. GRCh37 (hg19) VCF-style: chr15-25220663-C-T.
Other names: c.155+7C>T (NM_001400731.1, NM_001400732.1, NM_001400733.1 and 99 more transcripts); c.131+7C>T (NM_001378257.1, NM_001378256.1, NM_001400767.1); c.*343+7C>T (NM_005678.5); c.3+1060C>T (NM_001400768.1); c.167+7C>T (NM_001378253.1, NM_001378255.1, NM_001378251.1 and 2 more transcripts).
Identifiers: ClinVar variation 4822663 (VCV004822663.4).